The following is an entry in ClinVar:

NM_022455.5(NSD1):c.2370A>C (p.Ile790=)

Gene: NSD1 (nuclear receptor binding SET domain protein 1; plus strand). Cytogenetic location: 5q35.3.
Variant type: single nucleotide variant.
Coding change: c.2370A>C on transcript NM_022455.5 (MANE Select); coding-DNA position 2370, A replaced by C.
Protein change: p.Ile790=; no amino-acid change (isoleucine 790 retained).
Molecular consequence: synonymous variant.
Genome position (GRCh38, 1-based): chr5:177,210,769, A>C. VCF-style: chr5-177210769-A-C. GRCh37 (hg19) VCF-style: chr5-176637770-A-C.
Other names: c.1497A>C, p.Ile499= (NM_001365684.2, NM_001409306.1, NM_001409307.1 and 3 more transcripts); c.2370A>C, p.Ile790= (NM_001409301.1, NM_001409302.1, NM_001409303.1); c.1950A>C, p.Ile650= (NM_001409304.1); c.1617A>C, p.Ile539= (NM_001409305.1).
Identifiers: ClinVar variation 3029474 (VCV003029474.3), dbSNP rs1405494960, ClinGen allele CA447960883.

ClinVar aggregate classification (germline): Likely benign. Review status: criteria provided, single submitter (1 of 4 stars). 2 submissions from 2 submitters: Likely benign (1). 1 of the submissions does not count toward it. Last evaluated 2025-04-08.

Conditions:
NSD1-related disorder. Also called: NSD1-related condition.

gnomAD v4.1: 1 of 1,614,258 alleles (0.000062%); no homozygotes.

Submissions (2):

Labcorp Genetics (formerly Invitae), Labcorp
Classification: Likely benign. Last evaluated: 2025-04-08. Review status: criteria provided, single submitter. Criteria: Invitae Variant Classification Sherloc (09022015). Collection method: clinical testing. Allele origin: germline.

PreventionGenetics, part of Exact Sciences
Classification: Likely benign for NSD1-related condition. Last evaluated: 2022-05-17. Review status: no assertion criteria provided. Collection method: clinical testing. Allele origin: germline. Not counted in ClinVar's aggregate classification.
Comment: This variant is classified as likely benign based on ACMG/AMP sequence variant interpretation guidelines (Richards et al. 2015 PMID: 25741868, with internal and published modifications).